The following is an entry in ClinVar:

NM_000487.6(ARSA):c.245G>C (p.Arg82Pro)

Gene: ARSA (arylsulfatase A; minus strand). Cytogenetic location: 22q13.33.
Variant type: single nucleotide variant.
Coding change: c.245G>C on transcript NM_000487.6 (MANE Select); coding-DNA position 245, G replaced by C.
Protein change: p.Arg82Pro; replaces arginine 82 with proline.
Molecular consequence: missense variant. On other transcripts: 5 prime UTR variant (2).
Genome position (GRCh38, 1-based): chr22:50,627,386, C>G on the plus strand (G>C on the coding strand, the complement: ARSA is on the minus strand). VCF-style: chr22-50627386-C-G. GRCh37 (hg19) VCF-style: chr22-51065814-C-G.
Other names: c.245G>C, p.Arg82Pro (NM_001085425.3, NM_001085426.3, NM_001085427.3); c.-14G>C (NM_001085428.3, NM_001362782.2); short protein forms R82P.
Identifiers: ClinVar variation 4847092 (VCV004847092.2), dbSNP rs769892461.

ClinVar aggregate classification (germline): Uncertain significance (1 of 4 stars; one submission).

gnomAD v4.1: 5 of 1,607,436 alleles (0.00031%); highest among the groups gnomAD compares: Non-Finnish European, 0.00042%; no homozygotes.

Submissions (2):

Women's Health and Genetics/Laboratory Corporation of America, LabCorp
Classification: Uncertain significance. Last evaluated: 2026-03-18. Review status: criteria provided, single submitter. Criteria: LabCorp Variant Classification Summary - May 2015. Collection method: clinical testing. Allele origin: germline.
Comment: Variant summary: ARSA c.245G>C (p.Arg82Pro) results in a non-conservative amino acid change in the encoded protein sequence. Algorithms developed to predict the effect of missense changes on protein structure and function all suggest that this variant is likely to be disruptive. The variant allele was found at a frequency of 4.3e-06 in 231020 control chromosomes (gnomAD). The available data on variant occurrences in the general population are insufficient to allow any conclusion about variant significance. To our knowledge, no occurrence of c.245G>C in individuals affected with ARSA-related conditions and no experimental evidence demonstrating its impact on protein function have been reported. ClinVar contains an entry for this variant (Variation ID: 3237269). Based on the evidence outlined above, the variant was classified as uncertain significance.

Gelb Laboratory, University of Washington
No classification provided (evidence only). Condition: Metachromatic leukodystrophy. Review status: no classification provided. Collection method: in vitro. Allele origin: not applicable. Functional consequence: loss of function. Not counted in ClinVar's aggregate classification.